The following is an entry in ClinVar:

ClinVar aggregate classification (germline): Uncertain significance. Review status: criteria provided, multiple submitters, no conflicts (2 of 4 stars). 2 submissions from 2 submitters: Uncertain significance (2). Last evaluated 2026-05-28.

Conditions:
TTN-related disorder. Also called: TTN-related condition; TTN-related disease; TTN-related disorders.

gnomAD v4.1: 1 of 1,613,706 alleles (0.000062%); no homozygotes.

Submissions (2):

GeneDx
Classification: Uncertain significance. Last evaluated: 2026-05-28. Review status: criteria provided, single submitter. Criteria: GeneDx Variant Classification Process June 2021. Collection method: clinical testing. Allele origin: germline.
Comment: Not observed at significant frequency in large population cohorts (gnomAD); Missense variant in a gene in which most reported pathogenic variants are truncating/loss of function; Has not been previously published as pathogenic or benign to our knowledge

PreventionGenetics, part of Exact Sciences
Classification: Uncertain significance for TTN-related condition. Last evaluated: 2023-09-10. Review status: criteria provided, single submitter. Criteria: ACMG Guidelines, 2015. Collection method: clinical testing. Allele origin: germline.
Comment: The TTN c.39181C>T variant is predicted to result in the amino acid substitution p.Pro13061Ser. To our knowledge, this variant has not been reported in the literature or in a large population database, indicating this variant is rare. At this time, the clinical significance of this variant is uncertain due to the absence of conclusive functional and genetic evidence.

NM_001267550.2(TTN):c.39181C>T (p.Pro13061Ser)

Gene: TTN (titin; minus strand). Cytogenetic location: 2q31.2.
Variant type: single nucleotide variant.
Coding change: c.39181C>T on transcript NM_001267550.2 (MANE Select); coding-DNA position 39181, C replaced by T.
Protein change: p.Pro13061Ser; replaces proline 13061 with serine.
Molecular consequence: missense variant. On other transcripts: intron variant (3).
Genome position (GRCh38, 1-based): chr2:178,652,294, G>A on the plus strand (C>T on the coding strand, the complement: TTN is on the minus strand). VCF-style: chr2-178652294-G-A. GRCh37 (hg19) VCF-style: chr2-179517021-G-A.
Other names: c.13859-9977C>T (NM_133437.4); c.13658-9977C>T (NM_133432.3); c.34660C>T, p.Pro11554Ser (NM_001256850.1); c.31879C>T, p.Pro10627Ser (NM_133378.4); c.13283-9977C>T (NM_003319.4); short protein forms P10627S, P11554S, P13061S.
Identifiers: ClinVar variation 2428902 (VCV002428902.5), dbSNP rs2063152534, ClinGen allele CA349460773.
Genomic context (GRCh38, chr2:178,652,294, plus strand): 5'-TATCAAACACAGCACCATGAGGGTGTCTACCTTTTGTGGGTGGCACTTCAGGCTTTTTAG[G>A]AGGAGGCACTGGCACTTTCTTTTCAGGAACAACTTCTTTGGGAGCCTCAGGCACTTGAAA-3'
Protein context (NP_001254479.2, residues 13051-13071): VPEKKVPVPP[Pro13061Ser]KKPEVPPTKV